The following is an entry in ClinVar:

ClinVar aggregate classification (germline): Conflicting classifications of pathogenicity. Review status: criteria provided, conflicting classifications (1 of 4 stars). 2 submissions from 2 submitters: Uncertain significance (1); Likely benign (1). Last evaluated 2024-06-17.

Conditions:
Chuvash polycythemia. Also called: POLYCYTHEMIA, VHL-DEPENDENT. Identifiers: Orphanet 238557, MedGen C1837915, MONDO:0009892, OMIM 263400.
Von Hippel-Lindau syndrome (VHLS). Also called: VHL syndrome; Von Hippel-Lindau; von Hippel–Lindau syndrome. Identifiers: Orphanet 892, MedGen C0019562, MONDO:0008667, OMIM 193300. Disease mechanism: loss of function.

Allele frequency attached by ClinVar (database versions not stated): gnomAD exomes below 0.00001.

Submissions (2):

All of Us Research Program, National Institutes of Health
Classification: Likely benign for Von Hippel-Lindau syndrome. Last evaluated: 2024-06-17. Review status: criteria provided, single submitter. Criteria: ACMG Guidelines, 2015. Collection method: clinical testing. Allele origin: germline. Inheritance: Autosomal dominant inheritance. Observed: 1 variant allele, 1 heterozygote.
Comment: This study involves interpretation of variants in research participants for the purpose of population health screening. Participant phenotype was not available at the time of variant classification. Additional details can be found in publication PMID: 35346344, PMCID: PMC8962531

Labcorp Genetics (formerly Invitae), Labcorp
Classification: Uncertain significance for Von Hippel-Lindau syndrome; Chuvash polycythemia. Last evaluated: 2020-08-25. Review status: criteria provided, single submitter. Criteria: Invitae Variant Classification Sherloc (09022015). Collection method: clinical testing. Allele origin: germline.
Comment: In summary, the available evidence is currently insufficient to determine the role of this variant in disease. Therefore, it has been classified as a Variant of Uncertain Significance. This sequence change falls in intron 2 of the VHL gene. It does not directly change the encoded amino acid sequence of the VHL protein. This variant is not present in population databases (ExAC no frequency). This variant has not been reported in the literature in individuals with VHL-related conditions. Algorithms developed to predict the effect of sequence changes on RNA splicing suggest that this variant is not likely to affect RNA splicing, but this prediction has not been confirmed by published transcriptional studies.

NM_000551.4(VHL):c.464-9C>T

Genes: VHL (von Hippel-Lindau tumor suppressor; plus strand), LOC107303340 (3p25 von Hippel-Lindau tumor suppressor, E3 ubiquitin protein ligase Alu-mediated recombination region; plus strand). Cytogenetic location: 3p25.3.
Variant type: single nucleotide variant.
Coding change: c.464-9C>T on transcript NM_000551.4 (MANE Select); 9 bases into the intron before coding-DNA position 464, C replaced by T.
Molecular consequence: intron variant.
Genome position (GRCh38, 1-based): chr3:10,149,778, C>T. VCF-style: chr3-10149778-C-T. GRCh37 (hg19) VCF-style: chr3-10191462-C-T.
Other names: c.*18-9C>T (NM_001354723.2); c.341-9C>T (NM_198156.3).
Identifiers: ClinVar variation 999017 (VCV000999017.10), dbSNP rs1238907068, ClinGen allele CA541213526.